The following is an entry in ClinVar:

ClinVar aggregate classification (germline): Pathogenic (1 of 4 stars; one submission).

Conditions:
Monogenic hearing loss.

Submission:

Genetics Laboratory, Great Ormond Street Hospital NHS Foundation Trust, North Thames Genomic Laboratory Hub
Classification: Pathogenic for Monogenic hearing loss. Last evaluated: 2026-05-20. Review status: criteria provided, single submitter. Criteria: ACGS Best Practice Guidelines for Variant Classification in Rare Disease 2024 v1.2. Collection method: clinical testing. Allele origin: germline. Affected: yes.
Comment: PM2_moderate, PVS1_very-strong

NM_001145026.2(PTPRQ):c.288_289dup (p.Cys97fs)

Gene: PTPRQ (protein tyrosine phosphatase receptor type Q; plus strand). Cytogenetic location: 12q21.31.
Variant type: Duplication.
Coding change: c.288_289dup on transcript NM_001145026.2 (MANE Select); coding-DNA positions 288 to 289, 2 bases duplicated (TT; older notation c.288_289dupTT).
Protein change: p.Cys97fs; shifts the reading frame from cysteine 97.
Molecular consequence: frameshift variant.
Genome position (GRCh38, 1-based): chr12:80,445,615-80,445,616, TT duplicated; duplicating any 2 consecutive bases within chr12:80,445,614-80,445,616 gives the same sequence; the c. name uses the placement nearest the transcript's 3' end. VCF-style (leftmost placement, unchanged base first): chr12-80445613-G-GTT. GRCh37 (hg19) VCF-style: chr12-80839393-G-GTT.
Other names: short protein forms C97fs.
Identifiers: ClinVar variation 4871722 (VCV004871722.1).